The following is an entry in ClinVar:

ClinVar aggregate classification (germline): Uncertain significance (1 of 4 stars; one submission).

Conditions:
Retinitis pigmentosa 12 (RP12). Also called: RP WITH OR WITHOUT PRESERVED PARAARTERIOLE RETINAL PIGMENT EPITHELIUM; RETINITIS PIGMENTOSA WITH OR WITHOUT PARAARTERIOLAR PRESERVATION OF RETINAL PIGMENT EPITHELIUM; RP WITH OR WITHOUT PPRPE. Identifiers: Orphanet 791, MedGen C1838647, MONDO:0010818, OMIM 600105.
Leber congenital amaurosis 8 (LCA8). Identifiers: Orphanet 65, MedGen C3151202, MONDO:0013453, OMIM 613835.

Submission:

Labcorp Genetics (formerly Invitae), Labcorp
Classification: Uncertain significance for Leber congenital amaurosis 8; Retinitis pigmentosa 12. Last evaluated: 2020-12-28. Review status: criteria provided, single submitter. Criteria: Invitae Variant Classification Sherloc (09022015). Collection method: clinical testing. Allele origin: germline.
Comment: This variant results in a copy number gain of the genomic region encompassing exon(s) 2-5 of the CRB1 gene. While the exact position of this variant cannot be determined from the data, sub-genic copy number gains are generally in tandem (PMID: 25640679). This variant is predicted to be in-frame, and likely preserves the integrity of the reading frame. This variant has not been reported in the literature in individuals with CRB1-related conditions. Experimental studies and prediction algorithms are not available or were not evaluated, and the functional significance of this variant is currently unknown. In summary, the available evidence is currently insufficient to determine the role of this variant in disease. Therefore, it has been classified as a Variant of Uncertain Significance.

Literature cited by the submitters: PubMed 25640679.

NC_000001.10:g.(?_197297532)_(197326163_?)dup

Gene: CRB1 (crumbs cell polarity complex component 1; plus strand). Cytogenetic location: 1q31.3.
Variant type: Duplication.
Identifiers: ClinVar variation 2427681 (VCV002427681.3).